The following is an entry in ClinVar:

NM_000059.4(BRCA2):c.7419T>A (p.Cys2473Ter)

Gene: BRCA2 (BRCA2 DNA repair associated; plus strand). Cytogenetic location: 13q13.1.
Variant type: single nucleotide variant.
Coding change: c.7419T>A on transcript NM_000059.4 (MANE Select); coding-DNA position 7419, T replaced by A.
Protein change: p.Cys2473Ter; replaces cysteine 2473 with a stop codon.
Molecular consequence: nonsense.
Genome position (GRCh38, 1-based): chr13:32,355,272, T>A. VCF-style: chr13-32355272-T-A. GRCh37 (hg19) VCF-style: chr13-32929409-T-A.
Other names: short protein forms C2473*.
Identifiers: ClinVar variation 495499 (VCV000495499.3), dbSNP rs1555286120, ClinGen allele CA387741973.

ClinVar aggregate classification (germline): Pathogenic/Likely pathogenic. Review status: criteria provided, multiple submitters, no conflicts (2 of 4 stars). 2 submissions from 2 submitters: Pathogenic (1); Likely pathogenic (1). Last evaluated 2022-12-19.

Conditions:
Hereditary breast ovarian cancer syndrome. Also called: Hereditary breast and/or ovarian cancer syndrome; BRCA1- and BRCA2-Associated Hereditary Breast and Ovarian Cancer; Breast and ovarian cancer; Hereditary breast and ovarian cancer; Hereditary breast and ovarian cancer syndrome; Hereditary breast and ovarian cancer syndrome (HBOC). Identifiers: Orphanet 145, MedGen C0677776, MeSH D061325, MONDO:0003582. Disease mechanism: loss of function.
Hereditary cancer-predisposing syndrome. Also called: Hereditary neoplastic syndrome; Tumor predisposition; Hereditary Cancer Syndrome; Neoplastic Syndromes, Hereditary. Identifiers: Orphanet 140162, MedGen C0027672, MeSH D009386, MONDO:0015356.

Submissions (2):

Ambry Genetics
Classification: Pathogenic for Hereditary cancer-predisposing syndrome. Last evaluated: 2022-12-19. Review status: criteria provided, single submitter. Criteria: Ambry Variant Classification Scheme 2023. Collection method: clinical testing. Allele origin: germline.
Comment: The p.C2473* pathogenic mutation (also known as c.7419T>A), located in coding exon 13 of the BRCA2 gene, results from a T to A substitution at nucleotide position 7419. This changes the amino acid from a cysteine to a stop codon within coding exon 13. This variant is considered to be rare based on population cohorts in the Genome Aggregation Database (gnomAD). This alteration is expected to result in loss of function by premature protein truncation or nonsense-mediated mRNA decay. As such, this alteration is interpreted as a disease-causing mutation.

Women's Health and Genetics/Laboratory Corporation of America, LabCorp
Classification: Likely pathogenic for Hereditary breast ovarian cancer syndrome. Last evaluated: 2016-04-18. Review status: criteria provided, single submitter. Criteria: LabCorp Variant Classification Summary - May 2015. Collection method: clinical testing. Allele origin: germline.
Comment: Variant summary: The c.7419T>A variant results in a premature termination codon, predicted to cause a truncated or absent BRCA2 protein, which is a commonly known mechanism for disease. Another BRCA2 variant c.7419_7420delTG, which creates same protein change (p.Cys2473Ter), is classified as pathogenic in ClinVar. Truncations downstream of this position have been classified as pathogenic by our laboratory (e.g.p.Arg2494X, p.Thr2515fsX24). One in-silico tool predicts damaging outcome for this variant. 4/5 programs in Alamut predict that this variant creates a novel 5' splicing donor site, which may lead to abnormal splicing deleting 20bps in exon 14 and frameshift change. However, these predictions are not confirmed by experimental studies. This variant is not found in 119356 control chromosomes. The variant of interest has not, to our knowledge, been reported in affected individuals via publications and/or reputable databases/clinical laboratories; nor evaluated for functional impact by in vivo/vitro studies. Taken together, this variant was classified as likely pathogenic.